The following is an entry in ClinVar:

NM_182925.5(FLT4):c.2007C>G (p.Tyr669Ter)

Gene: FLT4 (fms related receptor tyrosine kinase 4; minus strand). Cytogenetic location: 5q35.3.
Variant type: single nucleotide variant.
Coding change: c.2007C>G on transcript NM_182925.5 (MANE Select); coding-DNA position 2007, C replaced by G.
Protein change: p.Tyr669Ter; replaces tyrosine 669 with a stop codon.
Molecular consequence: nonsense.
Genome position (GRCh38, 1-based): chr5:180,621,555, G>C on the plus strand (C>G on the coding strand, the complement: FLT4 is on the minus strand). VCF-style: chr5-180621555-G-C. GRCh37 (hg19) VCF-style: chr5-180048555-G-C.
Other names: c.2007C>G, p.Tyr669Ter (NM_001354989.2, NM_002020.5); short protein forms Y669*.
Identifiers: ClinVar variation 4531988 (VCV004531988.1).

ClinVar aggregate classification (germline): Pathogenic (1 of 4 stars; one submission).

Conditions:
Congenital heart defects, multiple types, 7. Identifiers: MedGen C5394062, MONDO:0032913, OMIM 618780.

Submission:

Victorian Clinical Genetics Services, Murdoch Childrens Research Institute
Classification: Pathogenic for Congenital heart defects, multiple types, 7. Last evaluated: 2024-12-24. Review status: criteria provided, single submitter. Criteria: ACMG Guidelines, 2015. Collection method: clinical testing. Allele origin: germline. Affected: yes.
Comment: This variant is classified as Pathogenic. Evidence in support of pathogenic classification: Variant is predicted to cause nonsense-mediated decay (NMD) and loss of protein (premature termination codon is located at least 54 nucleotides upstream of the final exon-exon junction); Variant is absent from gnomAD (v2, v3 and v4); Other NMD-predicted variant(s) comparable to the one identified in this case have very strong previous evidence for pathogenicity (DECIPHER); Additional information: This variant is heterozygous; This gene is associated with autosomal dominant disease; This variant has no previous evidence of pathogenicity; No published segregation evidence has been identified for this variant; No published functional evidence has been identified for this variant; Dominant negative and loss of function are known mechanisms of disease in this gene and are associated with lymphatic malformation 1 (MIM#153100) and congenital heart defects, multiple types 7 (MIM#618780), respectively (PMIDs: 20301417, 30232381); The condition associated with this gene has incomplete penetrance. Incomplete penetrance has been reported for both phenotypes associated with this gene (PMIDs: 30232381, 30582441, 20301417); Variants in this gene are known to have variable expressivity. Both interfamilial and intrafamilial variable expressivity have been reported for lymphatic malformation associated with this gene (PMID: 20301417)

Literature cited by the submitters: PubMed 30582441; PubMed 20301417; PubMed 30232381.